The following is an entry in ClinVar:

ClinVar aggregate classification (germline): Uncertain significance (1 of 4 stars; one submission).

Conditions:
Adams-Oliver syndrome 5 (AOS5). Identifiers: Orphanet 974, MedGen C4014970, MONDO:0014459, OMIM 616028.

Submission:

Labcorp Genetics (formerly Invitae), Labcorp
Classification: Uncertain significance for Adams-Oliver syndrome 5. Last evaluated: 2025-12-23. Review status: criteria provided, single submitter. Criteria: Invitae Variant Classification Sherloc (09022015). Collection method: clinical testing. Allele origin: germline.
Comment: This sequence change replaces cysteine, which is neutral and slightly polar, with tryptophan, which is neutral and slightly polar, at codon 1414 of the NOTCH1 protein (p.Cys1414Trp). This variant is not present in population databases (gnomAD no frequency). This variant has not been reported in the literature in individuals affected with NOTCH1-related conditions. Invitae Evidence Modeling of protein sequence and biophysical properties (such as structural, functional, and spatial information, amino acid conservation, physicochemical variation, residue mobility, and thermodynamic stability) indicates that this missense variant is expected to disrupt NOTCH1 protein function with a positive predictive value of 80%. In summary, the available evidence is currently insufficient to determine the role of this variant in disease. Therefore, it has been classified as a Variant of Uncertain Significance.

NM_017617.5(NOTCH1):c.4242C>G (p.Cys1414Trp)

Gene: NOTCH1 (notch receptor 1; minus strand). Cytogenetic location: 9q34.3.
Variant type: single nucleotide variant.
Coding change: c.4242C>G on transcript NM_017617.5 (MANE Select); coding-DNA position 4242, C replaced by G.
Protein change: p.Cys1414Trp; replaces cysteine 1414 with tryptophan.
Molecular consequence: missense variant.
Genome position (GRCh38, 1-based): chr9:136,505,654, G>C on the plus strand (C>G on the coding strand, the complement: NOTCH1 is on the minus strand). VCF-style: chr9-136505654-G-C. GRCh37 (hg19) VCF-style: chr9-139400106-G-C.
Other names: short protein forms C1414W.
Identifiers: ClinVar variation 4739981 (VCV004739981.1).